The following is an entry in ClinVar:

ClinVar aggregate classification (germline): Pathogenic (1 of 4 stars; one submission).

Conditions:
Developmental and epileptic encephalopathy, 12 (DEE12). Identifiers: MedGen C3150988, MONDO:0013389, OMIM 613722.

Submission:

Labcorp Genetics (formerly Invitae), Labcorp
Classification: Pathogenic for Developmental and epileptic encephalopathy, 12. Last evaluated: 2024-10-15. Review status: criteria provided, single submitter. Criteria: Invitae Variant Classification Sherloc (09022015). Collection method: clinical testing. Allele origin: germline.
Comment: This sequence change creates a premature translational stop signal (p.Thr253Argfs*71) in the PNKP gene. It is expected to result in an absent or disrupted protein product. Loss-of-function variants in PNKP are known to be pathogenic (PMID: 20118933, 25728773). This variant is not present in population databases (gnomAD no frequency). This variant has not been reported in the literature in individuals affected with PNKP-related conditions. ClinVar contains an entry for this variant (Variation ID: 1453217). For these reasons, this variant has been classified as Pathogenic.

Literature cited by the submitters: PubMed 20118933; PubMed 25728773.

NM_007254.4(PNKP):c.756_760del (p.Thr253fs)

Gene: PNKP (polynucleotide kinase 3'-phosphatase; minus strand). Cytogenetic location: 19q13.33.
Variant type: Deletion.
Coding change: c.756_760del on transcript NM_007254.4 (MANE Select); coding-DNA positions 756 to 760, 5 bases deleted (CACGC; older notation c.756_760delCACGC).
Protein change: p.Thr253fs; shifts the reading frame from threonine 253.
Molecular consequence: frameshift variant.
Genome position (GRCh38, 1-based): chr19:49,863,745-49,863,749, GCGTG deleted on the plus strand (CACGC on the coding strand, the reverse complement: PNKP is on the minus strand); deleting any 5 consecutive bases within chr19:49,863,745-49,863,751 gives the same sequence; the c. name uses the placement nearest the transcript's 3' end. VCF-style (leftmost placement, unchanged base first): chr19-49863744-TGCGTG-T. GRCh37 (hg19) VCF-style: chr19-50367001-TGCGTG-T.
Other names: short protein forms T253fs.
Identifiers: ClinVar variation 1453217 (VCV001453217.6), dbSNP rs2122333424, ClinGen allele CA2573156625.
Genomic context (GRCh38, chr19:49,863,744, plus strand): 5'-CTCACCTGCTCCTGCAGATGGTCCCACATGCCCGTCACCGGCTTCCGGTACAAGCCTGCG[TGCGTG>T]GCCACCAGCACCTGTGGATGGGAGGGGGCCACCAGCTTTAGCTCCCCCTCAAGCACCTAC-3'